The following is an entry in ClinVar:

NM_001009944.3(PKD1):c.11537G>A (p.Arg3846Lys)

Genes: PKD1 (polycystin 1, transient receptor potential channel interacting; minus strand), PKD1-AS1 (PKD1 antisense RNA 1; plus strand). Cytogenetic location: 16p13.3.
Variant type: single nucleotide variant.
Coding change: c.11537G>A on transcript NM_001009944.3 (MANE Select); coding-DNA position 11537, G replaced by A.
Protein change: p.Arg3846Lys; replaces arginine 3846 with lysine.
Molecular consequence: missense variant.
Genome position (GRCh38, 1-based): chr16:2,091,781, C>T on the plus strand (G>A on the coding strand, the complement: PKD1 is on the minus strand). VCF-style: chr16-2091781-C-T. GRCh37 (hg19) VCF-style: chr16-2141782-C-T.
Other names: c.11534G>A, p.Arg3845Lys (NM_000296.4); short protein forms R3845K, R3846K.
Identifiers: ClinVar variation 4796794 (VCV004796794.2).

ClinVar aggregate classification (germline): Uncertain significance. Review status: criteria provided, multiple submitters, no conflicts (2 of 4 stars). 2 submissions from 2 submitters: Uncertain significance (2). Last evaluated 2026-05-21.

Conditions:
Polycystic kidney disease, adult type (PKD1). Also called: Polycystic Kidney Disease 1, Autosomal Dominant; Polycystic kidney disease 1; Polycystic kidney disease 1, severe; Polycystic Kidney, Autosomal Dominant; POLYCYSTIC KIDNEY DISEASE 1 WITH OR WITHOUT POLYCYSTIC LIVER DISEASE; POLYCYSTIC KIDNEY DISEASE, ADULT, TYPE I. Identifiers: MedGen C3149841, MONDO:0008263, OMIM 173900.

Submissions (2):

Victorian Clinical Genetics Services, Murdoch Childrens Research Institute
Classification: Uncertain significance for Polycystic kidney disease, adult type. Last evaluated: 2026-05-21. Review status: criteria provided, single submitter. Criteria: ACMG Guidelines, 2015. Collection method: clinical testing. Allele origin: germline. Affected: yes.
Comment: This variant is classified as VUS-3B. Evidence in support of pathogenic classification: Variant is absent from gnomAD (v2, v3 and v4). Evidence in support of benign classification: Missense variant predicted to be tolerated by in silico tool(s) or not conserved in placental mammals with a minor amino acid change. Additional information: Variant is predicted to result in a missense amino acid change from Arg to Lys. This variant is located at the last nucleotide of exon 46 and therefore, may have a splicing effect; This variant is heterozygous; This gene is associated with autosomal dominant disease. Polycystic kidney disease 1 (MIM#173900) is predominantly caused by monoallelic variants, with rare reports of biallelic variants causing disease (OMIM); Previous evidence of pathogenicity for this variant is inconclusive. This variant has been classified as a VUS by a clinical laboratory in ClinVar. - No published evidence of segregation with disease has been identified for this variant; No published functional evidence has been identified for this variant; No comparable missense variants have previous evidence for pathogenicity; Variant is located in the annotated polycystin domain (DECIPHER); Loss of function is a known mechanism of disease in this gene and is associated with polycystic kidney disease 1 (MIM#173900); Inheritance information for this variant is not currently available in this individual.

MVZ Medizinische Genetik Mainz
Classification: Uncertain significance for Polycystic kidney disease, adult type. Last evaluated: 2026-01-21. Review status: criteria provided, single submitter. Criteria: UK Practice Guidelines For Variant Classification V4 01 2020. Collection method: clinical testing. Allele origin: germline. Inheritance: Autosomal dominant inheritance. Affected: yes. Observed: 1 variant allele.
Comment: ACMG Criteria: PM2_SUP,PP3,PP4